The following is an entry in ClinVar:

NM_001009944.3(PKD1):c.2842_2843delinsC (p.Gly948fs)

Gene: PKD1 (polycystin 1, transient receptor potential channel interacting; minus strand). Cytogenetic location: 16p13.3.
Variant type: Indel.
Coding change: c.2842_2843delinsC on transcript NM_001009944.3 (MANE Select); coding-DNA positions 2842 to 2843, GG replaced by C.
Protein change: p.Gly948fs; shifts the reading frame from glycine 948.
Molecular consequence: frameshift variant.
Genome position (GRCh38, 1-based): chr16:2,114,180-2,114,181, CC replaced by G on the plus strand (GG replaced by C on the coding strand, the reverse complement: PKD1 is on the minus strand). VCF-style: chr16-2114180-CC-G. GRCh37 (hg19) VCF-style: chr16-2164181-CC-G.
Other names: c.2842_2843delinsC, p.Gly948fs (NM_000296.4); short protein forms G948fs.
Identifiers: ClinVar variation 3382506 (VCV003382506.2).
Genomic context (GRCh38, chr16:2,114,180, plus strand): 5'-TCTGCAGGCACCTGCCTGGGGGCTGGTGGTGGAGCCTCGGCCATACTCACCACTAGGACT[CC>G]CTGCAGTACACGGGCCTCGGGGCTGGGCGTGGCGCGGAGGCCACAGATGGGCTCCTCCGC-3'

ClinVar aggregate classification (germline): Pathogenic (1 of 4 stars; one submission).

Conditions:
Polycystic kidney disease, adult type (PKD1). Also called: POLYCYSTIC KIDNEY DISEASE, ADULT, TYPE I; Polycystic Kidney Disease 1, Autosomal Dominant; Polycystic kidney disease 1; Polycystic kidney disease 1, severe; Polycystic Kidney, Autosomal Dominant; POLYCYSTIC KIDNEY DISEASE 1 WITH OR WITHOUT POLYCYSTIC LIVER DISEASE. Identifiers: MedGen C3149841, MONDO:0008263, OMIM 173900.

Submission:

Juno Genomics, Hangzhou Juno Genomics, Inc
Classification: Pathogenic for Polycystic kidney disease, adult type. Review status: criteria provided, single submitter. Criteria: ACMG Guidelines, 2015. Collection method: clinical testing. Allele origin: germline. Affected: yes.
Comment: Null variant in a gene where loss of function (LOF) is a known mechanism of disease.;Absent from controls (or at extremely low frequency if recessive) in Genome Aggregation Database, Exome Sequencing Project, 1000 Genomes Project, or Exome Aggregation Consortium.;Patient's phenotype or family history is highly specific for a disease with a single genetic etiology.